The following is an entry in ClinVar:

NM_006846.4(SPINK5):c.2343G>C (p.Met781Ile)

Gene: SPINK5 (serine peptidase inhibitor Kazal type 5; plus strand). Cytogenetic location: 5q32.
Variant type: single nucleotide variant.
Coding change: c.2343G>C on transcript NM_006846.4 (MANE Select); coding-DNA position 2343, G replaced by C.
Protein change: p.Met781Ile; replaces methionine 781 with isoleucine.
Molecular consequence: missense variant.
Genome position (GRCh38, 1-based): chr5:148,120,038, G>C. VCF-style: chr5-148120038-G-C. GRCh37 (hg19) VCF-style: chr5-147499601-G-C.
Other names: c.2343G>C, p.Met781Ile (NM_001127698.2, NM_001127699.2); short protein forms M781I.
Identifiers: ClinVar variation 834965 (VCV000834965.10), dbSNP rs1452834406, ClinGen allele CA361646109.

ClinVar aggregate classification (germline): Uncertain significance. Review status: criteria provided, multiple submitters, no conflicts (2 of 4 stars). 2 submissions from 2 submitters: Uncertain significance (2). Last evaluated 2022-06-12.

Conditions:
Netherton syndrome (NETH). Also called: NETHERTON DISEASE; ERYTHRODERMA, ICHTHYOSIFORM, WITH HYPOTRICHOSIS AND HYPER-IgE; COMEL-NETHERTON SYNDROME. Identifiers: Orphanet 634, MedGen C5574950, MONDO:0009735, OMIM 256500.

gnomAD v4.1: 13 of 1,613,890 alleles (0.00081%); highest among the groups gnomAD compares: Middle Eastern, 0.033%; no homozygotes.

Submissions (2):

Labcorp Genetics (formerly Invitae), Labcorp
Classification: Uncertain significance for Ichthyosis linearis circumflexa. Last evaluated: 2022-06-12. Review status: criteria provided, single submitter. Criteria: Invitae Variant Classification Sherloc (09022015). Collection method: clinical testing. Allele origin: germline.
Comment: This sequence change replaces methionine, which is neutral and non-polar, with isoleucine, which is neutral and non-polar, at codon 781 of the SPINK5 protein (p.Met781Ile). This variant is not present in population databases (gnomAD no frequency). This missense change has been observed in individual(s) with Netherton syndrome (PMID: 11841556). ClinVar contains an entry for this variant (Variation ID: 834965). Algorithms developed to predict the effect of missense changes on protein structure and function are either unavailable or do not agree on the potential impact of this missense change (SIFT: "Deleterious"; PolyPhen-2: "Probably Damaging"; Align-GVGD: "Class C0"). In summary, the available evidence is currently insufficient to determine the role of this variant in disease. Therefore, it has been classified as a Variant of Uncertain Significance.

Illumina Laboratory Services, Illumina
Classification: Uncertain significance for Netherton syndrome. Last evaluated: 2017-04-27. Review status: criteria provided, single submitter. Criteria: ICSL Variant Classification Criteria 13 December 2019. Collection method: clinical testing. Allele origin: germline.
Comment: This variant was observed as part of a predisposition screen in an ostensibly healthy population. A literature search was performed for the gene, cDNA change, and amino acid change (where applicable). Publications were found based on this search. However, the evidence from the literature, in combination with allele frequency data from public databases where available, was not sufficient to rule this variant in or out of causing disease. Therefore, this variant is classified as a variant of unknown significance.

Literature cited by the submitters: PubMed 11841556 (cited by Labcorp Genetics (formerly Invitae), Labcorp and Illumina Laboratory Services, Illumina).